The following is an entry in ClinVar:

ClinVar aggregate classification (germline): Uncertain significance. Review status: criteria provided, multiple submitters, no conflicts (2 of 4 stars). 2 submissions from 2 submitters: Uncertain significance (2). Last evaluated 2023-08-04.

Conditions:
Inborn genetic diseases. Identifiers: MedGen C0950123, MeSH D030342.

Allele frequency attached by ClinVar (database versions not stated): gnomAD exomes 0.00001 and 0.00002; ExAC 0.00003; gnomAD 0.00003; TOPMed 0.00004.
gnomAD v4.1: 23 of 1,613,270 alleles (0.0014%); highest among the groups gnomAD compares: East Asian, 0.036%; no homozygotes.

Submissions (2):

Ambry Genetics
Classification: Uncertain significance for Inborn genetic diseases. Last evaluated: 2023-08-04. Review status: criteria provided, single submitter. Criteria: Ambry Variant Classification Scheme 2023. Collection method: clinical testing. Allele origin: germline.

Labcorp Genetics (formerly Invitae), Labcorp
Classification: Uncertain significance. Last evaluated: 2021-09-01. Review status: criteria provided, single submitter. Criteria: Invitae Variant Classification Sherloc (09022015). Collection method: clinical testing. Allele origin: germline.
Comment: This sequence change replaces tyrosine with aspartic acid at codon 527 of the SLC26A3 protein (p.Tyr527Asp). The tyrosine residue is weakly conserved and there is a large physicochemical difference between tyrosine and aspartic acid. This variant is present in population databases (rs748365570, ExAC 0.02%). This variant has not been reported in the literature in individuals affected with SLC26A3-related conditions. Advanced modeling of protein sequence and biophysical properties (such as structural, functional, and spatial information, amino acid conservation, physicochemical variation, residue mobility, and thermodynamic stability) performed at Invitae indicates that this missense variant is not expected to disrupt SLC26A3 protein function. In summary, the available evidence is currently insufficient to determine the role of this variant in disease. Therefore, it has been classified as a Variant of Uncertain Significance.

NM_000111.3(SLC26A3):c.1579T>G (p.Tyr527Asp)

Gene: SLC26A3 (solute carrier family 26 member 3; minus strand). Cytogenetic location: 7q22.3.
Variant type: single nucleotide variant.
Coding change: c.1579T>G on transcript NM_000111.3 (MANE Select); coding-DNA position 1579, T replaced by G.
Protein change: p.Tyr527Asp; replaces tyrosine 527 with aspartic acid.
Molecular consequence: missense variant.
Genome position (GRCh38, 1-based): chr7:107,776,642, A>C on the plus strand (T>G on the coding strand, the complement: SLC26A3 is on the minus strand). VCF-style: chr7-107776642-A-C. GRCh37 (hg19) VCF-style: chr7-107417087-A-C.
Other names: c.1579T>G (NM_000111.2); short protein forms Y527D.
Identifiers: ClinVar variation 1504783 (VCV001504783.6), dbSNP rs748365570, ClinGen allele CA4433785.